The following is an entry in ClinVar:

NM_005359.6(SMAD4):c.1140-13T>C

Gene: SMAD4 (SMAD family member 4; plus strand). Cytogenetic location: 18q21.2.
Variant type: single nucleotide variant.
Coding change: c.1140-13T>C on transcript NM_005359.6 (MANE Select); 13 bases into the intron before coding-DNA position 1140, T replaced by C.
Molecular consequence: intron variant.
Genome position (GRCh38, 1-based): chr18:51,067,006, T>C. VCF-style: chr18-51067006-T-C. GRCh37 (hg19) VCF-style: chr18-48593376-T-C.
Other names: c.1140-13T>C (NM_001407042.1, NM_001407041.1).
Identifiers: ClinVar variation 2816726 (VCV002816726.4), dbSNP rs2144451555, ClinGen allele CA2641838716.

ClinVar aggregate classification (germline): Likely benign. Review status: criteria provided, multiple submitters, no conflicts (2 of 4 stars). 2 submissions from 2 submitters: Likely benign (2). Last evaluated 2025-03-21.

Conditions:
Juvenile polyposis/hereditary hemorrhagic telangiectasia syndrome (JPHT). Also called: JP/HHT SYNDROME; JUVENILE POLYPOSIS WITH HEREDITARY HEMORRHAGIC TELANGIECTASIA; POLYPOSIS, GENERALIZED JUVENILE, WITH PULMONARY ARTERIOVENOUS MALFORMATION; TELANGIECTASIA, HEREDITARY HEMORRHAGIC, WITH JUVENILE POLYPOSIS COLI; Juvenile Polyposis Syndrome / Hereditary Hemorrhagic Telangiectasia (JPS/HHT). Identifiers: Orphanet 2929, MedGen C1832942, MONDO:0008278, OMIM 175050.
Juvenile polyposis syndrome (JPS). Identifiers: Orphanet 2929, MedGen C0345893, MONDO:0017380, OMIM 174900.

Allele frequency attached by ClinVar (database versions not stated): gnomAD exomes 0.00001.
gnomAD v4.1: 10 of 1,605,030 alleles (0.00062%); highest among the groups gnomAD compares: Non-Finnish European, 0.00085%; no homozygotes.

Submissions (2):

Myriad Genetics, Inc.
Classification: Likely benign for Juvenile polyposis/hereditary hemorrhagic telangiectasia syndrome. Last evaluated: 2025-03-21. Review status: criteria provided, single submitter. Criteria: Myriad Autosomal Dominant, Autosomal Recessive and X-Linked Classification Criteria (2023). Collection method: clinical testing. Allele origin: unknown.
Comment: This variant is considered likely benign. This variant is intronic and is not expected to impact mRNA splicing.

Labcorp Genetics (formerly Invitae), Labcorp
Classification: Likely benign for Juvenile polyposis syndrome. Last evaluated: 2023-08-03. Review status: criteria provided, single submitter. Criteria: Invitae Variant Classification Sherloc (09022015). Collection method: clinical testing. Allele origin: germline.